The following is an entry in ClinVar:

NM_006514.4(SCN10A):c.1448A>G (p.Asn483Ser)

Gene: SCN10A (sodium voltage-gated channel alpha subunit 10; minus strand). Cytogenetic location: 3p22.2.
Variant type: single nucleotide variant.
Coding change: c.1448A>G on transcript NM_006514.4 (MANE Select); coding-DNA position 1448, A replaced by G.
Protein change: p.Asn483Ser; replaces asparagine 483 with serine.
Molecular consequence: missense variant.
Genome position (GRCh38, 1-based): chr3:38,755,801, T>C on the plus strand (A>G on the coding strand, the complement: SCN10A is on the minus strand). VCF-style: chr3-38755801-T-C. GRCh37 (hg19) VCF-style: chr3-38797292-T-C.
Other names: c.1448A>G, p.Asn483Ser (NM_001293306.2, NM_001293307.2); short protein forms N483S.
Identifiers: ClinVar variation 3316506 (VCV003316506.1).

ClinVar aggregate classification (germline): Uncertain significance (1 of 4 stars; one submission).

Conditions:
Cardiovascular phenotype. Identifiers: MedGen CN230736.

gnomAD v4.1: 4 of 1,613,642 alleles (0.00025%); highest among the groups gnomAD compares: Non-Finnish European, 0.00034%; no homozygotes.

Submission:

Ambry Genetics
Classification: Uncertain significance for Cardiovascular phenotype. Last evaluated: 2024-03-30. Review status: criteria provided, single submitter. Criteria: Ambry Variant Classification Scheme 2023. Collection method: clinical testing. Allele origin: germline.
Comment: The p.N483S variant (also known as c.1448A>G), located in coding exon 10 of the SCN10A gene, results from an A to G substitution at nucleotide position 1448. The asparagine at codon 483 is replaced by serine, an amino acid with highly similar properties. This amino acid position is conserved. In addition, this alteration is predicted to be tolerated by in silico analysis. Based on the available evidence, the clinical significance of this alteration remains unclear.